The following is an entry in ClinVar:

ClinVar aggregate classification (germline): Conflicting classifications of pathogenicity. Review status: criteria provided, conflicting classifications (1 of 4 stars). 2 submissions from 2 submitters: Pathogenic (1); Uncertain significance (1). Last evaluated 2024-12-19.

Conditions:
Dystonia 5 (DRD). Also called: DYT-GCH1; DYSTONIA, PROGRESSIVE, WITH DIURNAL VARIATION; DYSTONIA-PARKINSONISM WITH DIURNAL FLUCTUATION; GTP Cyclohydrolase 1-Deficient Dopa-Responsive Dystonia; Dystonia, DOPA-responsive, with or without hyperphenylalaninemia. Identifiers: Orphanet 98808, MedGen C1851920, MONDO:0007495, OMIM 128230.
GTP cyclohydrolase I deficiency. Identifiers: MedGen C0268467, MONDO:0100184.

Allele frequency attached by ClinVar (database versions not stated): gnomAD exomes below 0.00001.
gnomAD v4.1: 1 of 1,612,796 alleles (0.000062%); highest among the groups gnomAD compares: Non-Finnish European, 0.000085%; no homozygotes.

Submissions (2):

GeneDx
Classification: Uncertain significance. Last evaluated: 2024-12-19. Review status: criteria provided, single submitter. Criteria: GeneDx Variant Classification Process June 2021. Collection method: clinical testing. Allele origin: germline. Affected: yes.
Comment: Reported previously in a patient with a diagnosis of dopa-responsive dystonia; however, no further clinical or segregation information was provided (PMID: 17898029); In silico analysis supports that this missense variant has a deleterious effect on protein structure/function; Not observed at significant frequency in large population cohorts (gnomAD); This variant is associated with the following publications: (PMID: 15753436, 9667588, 38547557, 17898029)

Labcorp Genetics (formerly Invitae), Labcorp
Classification: Pathogenic for GTP cyclohydrolase I deficiency; Dystonia 5. Last evaluated: 2021-10-05. Review status: criteria provided, single submitter. Criteria: Invitae Variant Classification Sherloc (09022015). Collection method: clinical testing. Allele origin: germline.
Comment: For these reasons, this variant has been classified as Pathogenic. This variant disrupts the p.Gly108 amino acid residue in GCH1. Other variant(s) that disrupt this residue have been determined to be pathogenic (PMID: 9667588, 15753436; Invitae). This suggests that this residue is clinically significant, and that variants that disrupt this residue are likely to be disease-causing. Advanced modeling of protein sequence and biophysical properties (such as structural, functional, and spatial information, amino acid conservation, physicochemical variation, residue mobility, and thermodynamic stability) performed at Invitae indicates that this missense variant is expected to disrupt GCH1 protein function. This missense change has been observed in individuals with autosomal dominant dopa-responsive dystonia (PMID: 17898029; Invitae). This variant is not present in population databases (ExAC no frequency). This sequence change replaces glycine with serine at codon 108 of the GCH1 protein (p.Gly108Ser). The glycine residue is highly conserved and there is a small physicochemical difference between glycine and serine.

Literature cited by the submitters: PubMed 9667588 (cited by Labcorp Genetics (formerly Invitae), Labcorp); PubMed 15753436 (cited by Labcorp Genetics (formerly Invitae), Labcorp); PubMed 17898029 (cited by Labcorp Genetics (formerly Invitae), Labcorp).

NM_000161.3(GCH1):c.322G>A (p.Gly108Ser)

Gene: GCH1 (GTP cyclohydrolase 1; minus strand). Cytogenetic location: 14q22.2.
Variant type: single nucleotide variant.
Coding change: c.322G>A on transcript NM_000161.3 (MANE Select); coding-DNA position 322, G replaced by A.
Protein change: p.Gly108Ser; replaces glycine 108 with serine.
Molecular consequence: missense variant.
Genome position (GRCh38, 1-based): chr14:54,902,342, C>T on the plus strand (G>A on the coding strand, the complement: GCH1 is on the minus strand). VCF-style: chr14-54902342-C-T. GRCh37 (hg19) VCF-style: chr14-55369060-C-T.
Other names: c.322G>A (NM_000161.2); c.322G>A, p.Gly108Ser (NM_001024024.2, NM_001024070.2, NM_001024071.2); short protein forms G108S.
Identifiers: ClinVar variation 1457832 (VCV001457832.7), dbSNP rs2140127010, ClinGen allele CA389793452.
Genomic context (GRCh38, chr14:54,902,342, plus strand): 5'-CGCCGCCCGCACGCTCTAGCAGCCCGCGGGCGCACTGACCTGAGATGGTCTCCTGGTAGC[C>T]CTTGGTGAAGAACTGCATGGCCGAGGCCGCCCTCCAGGGCGTCTTGAGCAGCCCTTGCCG-3'
Protein context (NP_000152.1, residues 98-118): AASAMQFFTK[Gly108Ser]YQETISDVLN